The following is an entry in ClinVar:

ClinVar aggregate classification (germline): Likely benign (0 of 4 stars; one submission).

Conditions:
OPTN-related disorder. Also called: OPTN-related condition; OPTN-related disorders.

Submission:

PreventionGenetics, part of Exact Sciences
Classification: Likely benign for OPTN-related condition. Last evaluated: 2024-08-17. Review status: no assertion criteria provided. Collection method: clinical testing. Allele origin: germline.
Comment: This variant is classified as likely benign based on ACMG/AMP sequence variant interpretation guidelines (Richards et al. 2015 PMID: 25741868, with internal and published modifications).

NM_001008212.2(OPTN):c.779+4T>C

Gene: OPTN (optineurin; plus strand). Cytogenetic location: 10p13.
Variant type: single nucleotide variant.
Coding change: c.779+4T>C on transcript NM_001008212.2 (MANE Select); 4 bases into the intron after coding-DNA position 779, T replaced by C.
Molecular consequence: intron variant.
Genome position (GRCh38, 1-based): chr10:13,119,044, T>C. VCF-style: chr10-13119044-T-C. GRCh37 (hg19) VCF-style: chr10-13161044-T-C.
Other names: c.779+4T>C (NM_001008211.1, NM_001008213.1, NM_021980.4).
Identifiers: ClinVar variation 3345124 (VCV003345124.1).